The following is an entry in ClinVar:

ClinVar aggregate classification (germline): Conflicting classifications of pathogenicity. Review status: criteria provided, conflicting classifications (1 of 4 stars). 2 submissions from 2 submitters: Uncertain significance (1); Likely benign (1). Last evaluated 2025-12-22.

Conditions:
Alport syndrome. Also called: Hemorrhagic familial nephritis; Hemorrhagic hereditary nephritis; Congenital hereditary hematuria. Identifiers: Orphanet 63, MedGen C1567741, MONDO:0018965.

Allele frequency attached by ClinVar (database versions not stated): gnomAD 0.00032 and 0.00033; 1000 Genomes Project 30x 0.00016; 1000 Genomes Project 0.00020; TOPMed 0.00036.

Submissions (2):

Dasa
Classification: Likely benign. Last evaluated: 2025-12-22. Review status: criteria provided, single submitter. Criteria: DASA Assertion Criteria. Collection method: clinical testing. Allele origin: germline.
Comment: NM_000092.5(COL4A4):c.-134C>G is an intronic variant. The variant context is inconsistent with a known disease-causing mechanism. Computational prediction algorithms are consistent with a benign effect. Therefore, based on the currently available evidence, this variant is classified as likely benign.

Illumina Laboratory Services, Illumina
Classification: Uncertain significance for Alport syndrome. Last evaluated: 2018-01-13. Review status: criteria provided, single submitter. Criteria: ICSL Variant Classification Criteria 13 December 2019. Collection method: clinical testing. Allele origin: germline.

NM_000092.5(COL4A4):c.-134C>G

Gene: COL4A4 (collagen type IV alpha 4 chain; minus strand). Cytogenetic location: 2q36.3.
Variant type: single nucleotide variant.
Coding change: c.-134C>G on transcript NM_000092.5 (MANE Select); 134 bases upstream of the start codon, C replaced by G.
Molecular consequence: 5 prime UTR variant.
Genome position (GRCh38, 1-based): chr2:227,164,039, G>C on the plus strand (C>G on the coding strand, the complement: COL4A4 is on the minus strand). VCF-style: chr2-227164039-G-C. GRCh37 (hg19) VCF-style: chr2-228028755-G-C.
Identifiers: ClinVar variation 334742 (VCV000334742.7), dbSNP rs530247030, ClinGen allele CA10612670.
Genomic context (GRCh38, chr2:227,164,039, plus strand): 5'-GCGGTTGCCCCACCTATGGGCGCCTTACCTGTGGGGACGCCCGCAGCGCCAGGAGCTGCC[G>C]CCTTGCCACCCCACGGGACGCGCACCTCCAGCCCCAATCCACCCGCGCCCCGCTGCCTCT-3'